The following is an entry in ClinVar:

ClinVar aggregate classification (germline): Conflicting classifications of pathogenicity. Review status: criteria provided, conflicting classifications (1 of 4 stars). 11 submissions from 11 submitters: Uncertain significance (1); Likely benign (6). 4 of the submissions do not count toward it. Last evaluated 2026-09-01.

Conditions:
Inborn genetic diseases. Identifiers: MedGen C0950123, MeSH D030342.
SPG11-related disorder. Also called: SPG11-related condition.
Hereditary spastic paraplegia 11. Also called: Spastic paraplegia, mental retardation and thin corpus callosum; Spastic Paraplegia 11; Nakamura Osame syndrome; Autosomal recessive hereditary spastic paraplegia, mental impairment, and thin corpus callosum; SPASTIC PARAPLEGIA, AUTOSOMAL RECESSIVE, COMPLICATED, WITH THIN CORPUS CALLOSUM; SPASTIC PARAPLEGIA, AUTOSOMAL RECESSIVE, WITH MENTAL IMPAIRMENT AND THIN CORPUS CALLOSUM. Identifiers: Orphanet 2822, MedGen C1858479, MONDO:0011445, OMIM 604360.

Allele frequency attached by ClinVar (database versions not stated): gnomAD exomes 0.00038 and 0.00062; gnomAD 0.00039; TOPMed 0.00040; ExAC 0.00041; ESP Exome Variant Server 0.00062.
gnomAD v4.1: 953 of 1,613,796 alleles (0.059%); highest among the groups gnomAD compares: Non-Finnish European, 0.077%; no homozygotes.

Submissions (11):

CeGaT Center for Human Genetics Tuebingen
Classification: Uncertain significance. Last evaluated: 2026-09-01. Review status: criteria provided, single submitter. Criteria: CeGaT Center For Human Genetics Tuebingen Variant Classification Criteria Version 2. Collection method: clinical testing. Allele origin: germline. Affected: yes. Observed: 6 variant alleles.
Comment: SPG11: PM2, BP4

Labcorp Genetics (formerly Invitae), Labcorp
Classification: Likely benign for Hereditary spastic paraplegia 11. Last evaluated: 2026-01-28. Review status: criteria provided, single submitter. Criteria: Invitae Variant Classification Sherloc (09022015). Collection method: clinical testing. Allele origin: germline.

Women's Health and Genetics/Laboratory Corporation of America, LabCorp
Classification: Likely benign. Last evaluated: 2025-11-04. Review status: criteria provided, single submitter. Criteria: LabCorp Variant Classification Summary - May 2015. Collection method: clinical testing. Allele origin: germline.

Blueprint Genetics
Classification: Likely benign. Last evaluated: 2024-11-25. Review status: criteria provided, single submitter. Criteria: ACMG Guidelines, 2015. Collection method: clinical testing. Allele origin: germline.

Athena Diagnostics
Classification: Likely benign. Last evaluated: 2023-12-20. Review status: criteria provided, single submitter. Criteria: Athena Diagnostics Criteria. Collection method: clinical testing. Allele origin: unknown.

GeneDx
Classification: Likely benign. Last evaluated: 2021-05-01. Review status: criteria provided, single submitter. Criteria: GeneDx Variant Classification Process June 2021. Collection method: clinical testing. Allele origin: germline. Affected: yes.

Ambry Genetics
Classification: Likely benign for Inborn genetic diseases. Last evaluated: 2019-07-11. Review status: criteria provided, single submitter. Criteria: Ambry Variant Classification Scheme 2023. Collection method: clinical testing. Allele origin: germline.

PreventionGenetics, part of Exact Sciences
Classification: Likely benign for SPG11-related condition. Last evaluated: 2019-05-10. Review status: no assertion criteria provided. Collection method: clinical testing. Allele origin: germline. Not counted in ClinVar's aggregate classification.
Comment: This variant is classified as likely benign based on ACMG/AMP sequence variant interpretation guidelines (Richards et al. 2015 PMID: 25741868, with internal and published modifications).

Clinical Genetics DNA and cytogenetics Diagnostics Lab, Erasmus MC, Erasmus Medical Center
Classification: Likely benign. Review status: no assertion criteria provided. Collection method: clinical testing. Allele origin: germline. Affected: yes. Study: VKGL Data-share Consensus. Not counted in ClinVar's aggregate classification.

Genome Diagnostics Laboratory, Amsterdam University Medical Center
Classification: Likely benign. Review status: no assertion criteria provided. Collection method: clinical testing. Allele origin: germline. Affected: yes. Study: VKGL Data-share Consensus. Not counted in ClinVar's aggregate classification.

Genome Diagnostics Laboratory, University Medical Center Utrecht
Classification: Likely benign. Review status: no assertion criteria provided. Collection method: clinical testing. Allele origin: germline. Affected: yes. Study: VKGL Data-share Consensus. Not counted in ClinVar's aggregate classification.

NM_025137.4(SPG11):c.3486T>C (p.Phe1162=)

Gene: SPG11 (SPG11 vesicle trafficking associated, spatacsin; minus strand). Cytogenetic location: 15q21.1.
Variant type: single nucleotide variant.
Coding change: c.3486T>C on transcript NM_025137.4 (MANE Select); coding-DNA position 3486, T replaced by C.
Protein change: p.Phe1162=; no amino-acid change (phenylalanine 1162 retained).
Molecular consequence: synonymous variant.
Genome position (GRCh38, 1-based): chr15:44,606,059, A>G on the plus strand (T>C on the coding strand, the complement: SPG11 is on the minus strand). VCF-style: chr15-44606059-A-G. GRCh37 (hg19) VCF-style: chr15-44898257-A-G.
Other names: c.3486T>C, p.Phe1162= (NM_001160227.2).
Identifiers: ClinVar variation 466521 (VCV000466521.61), dbSNP rs139532029, ClinGen allele CA7534956.